The following is an entry in ClinVar:

NM_015559.3(SETBP1):c.1172G>A (p.Ser391Asn)

Gene: SETBP1 (SET binding protein 1; plus strand). Cytogenetic location: 18q12.3.
Variant type: single nucleotide variant.
Coding change: c.1172G>A on transcript NM_015559.3 (MANE Select); coding-DNA position 1172, G replaced by A.
Protein change: p.Ser391Asn; replaces serine 391 with asparagine.
Molecular consequence: missense variant.
Genome position (GRCh38, 1-based): chr18:44,950,512, G>A. VCF-style: chr18-44950512-G-A. GRCh37 (hg19) VCF-style: chr18-42530477-G-A.
Other names: c.1172G>A, p.Ser391Asn (NM_001379141.1, NM_001379142.1, NM_001410862.1); short protein forms S391N.
Identifiers: ClinVar variation 1984314 (VCV001984314.29), dbSNP rs768286024, ClinGen allele CA8945570.
Genomic context (GRCh38, chr18:44,950,512, plus strand): 5'-GTTATTCCGCAGATAGTGCCCAAGAGGCATCACCAGCCAGGCAGAACGTGAGTTCTGCCA[G>A]TAATCCTGAAAATGACTCAAGTCATGTCCGGATTACTATCCCCATCAAGGCACCCTCTCT-3'
Protein context (NP_056374.2, residues 381-401): SPARQNVSSA[Ser391Asn]NPENDSSHVR

ClinVar aggregate classification (germline): Conflicting classifications of pathogenicity. Review status: criteria provided, conflicting classifications (1 of 4 stars). 3 submissions from 3 submitters: Uncertain significance (1); Benign (1); Likely benign (1). Last evaluated 2024-08-02.

Conditions:
Inborn genetic diseases. Identifiers: MedGen C0950123, MeSH D030342.

Allele frequency attached by ClinVar (database versions not stated): ExAC 0.00001; gnomAD exomes 0.00001; TOPMed 0.00001.
gnomAD v4.1: 3 of 1,614,112 alleles (0.00019%); highest among the groups gnomAD compares: Admixed American, 0.0017%; no homozygotes.

Submissions (3):

Labcorp Genetics (formerly Invitae), Labcorp
Classification: Benign. Last evaluated: 2024-08-02. Review status: criteria provided, single submitter. Criteria: Invitae Variant Classification Sherloc (09022015). Collection method: clinical testing. Allele origin: germline.

CeGaT Center for Human Genetics Tuebingen
Classification: Likely benign. Last evaluated: 2022-08-01. Review status: criteria provided, single submitter. Criteria: CeGaT Center For Human Genetics Tuebingen Variant Classification Criteria Version 2. Collection method: clinical testing. Allele origin: germline. Affected: yes. Observed: 1 variant allele.
Comment: SETBP1: BP4, BS2

Ambry Genetics
Classification: Uncertain significance for Inborn genetic diseases. Last evaluated: 2022-03-22. Review status: criteria provided, single submitter. Criteria: Ambry Variant Classification Scheme 2023. Collection method: clinical testing. Allele origin: germline.